The following is an entry in ClinVar:

NM_021120.4(DLG3):c.1619_1628del (p.Asp540fs)

Gene: DLG3 (discs large MAGUK scaffold protein 3; plus strand). Cytogenetic location: Xq13.1.
Variant type: Deletion.
Coding change: c.1619_1628del on transcript NM_021120.4 (MANE Select); coding-DNA positions 1619 to 1628, 10 bases deleted (ATGATGAGTG; older notation c.1619_1628delATGATGAGTG).
Protein change: p.Asp540fs; shifts the reading frame from aspartic acid 540.
Molecular consequence: frameshift variant.
Genome position (GRCh38, 1-based): chrX:70,492,205-70,492,214, ATGATGAGTG deleted; deleting any 10 consecutive bases within chrX:70,492,203-70,492,214 gives the same sequence; the c. name uses the placement nearest the transcript's 3' end. VCF-style (leftmost placement, unchanged base first): chrX-70492202-CTGATGATGAG-C. GRCh37 (hg19) VCF-style: chrX-69712052-CTGATGATGAG-C.
Other names: c.170_179del, p.Asp57fs (NM_001166278.2); c.608_617del, p.Asp203fs (NM_020730.3); short protein forms D203fs, D540fs, D57fs.
Identifiers: ClinVar variation 3770159 (VCV003770159.1).

ClinVar aggregate classification (germline): Likely pathogenic (1 of 4 stars; one submission).

Conditions:
Intellectual developmental disorder, X-linked 90. Also called: DLG3-Related X-Linked Nonsyndromic Mental Retardation; Intellectual disability, X-linked 90. Identifiers: Orphanet 777, MedGen C3275443, MONDO:0010452, OMIM 300850.

Submission:

Equipe Genetique des Anomalies du Developpement, Université de Bourgogne
Classification: Likely pathogenic for Intellectual developmental disorder, X-linked 90. Last evaluated: 2025-01-31. Review status: criteria provided, single submitter. Criteria: ACMG Guidelines, 2015. Collection method: clinical testing. Allele origin: germline. Affected: yes.
Comment: This variant is a deletion predicted to result in a premature stop codon at position 547 and likely results in an absent protein product. It is present in a heterozygous state. Hemizygous pathogenic variants in DLG3 are reported in an autosomal dominant intellectual disability (OMIM #300850). Symptomatic heterozygous females have been reported. This variant is not present in population database gnomAD (v4.1.0). It has not been reported in ClinVar and in the literature. Based on these evidences, the variant was classified as likely pathogenic.